The following is an entry in ClinVar:

NM_003803.4(MYOM1):c.407A>G (p.Tyr136Cys)

Gene: MYOM1 (myomesin 1; minus strand). Cytogenetic location: 18p11.31.
Variant type: single nucleotide variant.
Coding change: c.407A>G on transcript NM_003803.4 (MANE Select); coding-DNA position 407, A replaced by G.
Protein change: p.Tyr136Cys; replaces tyrosine 136 with cysteine.
Molecular consequence: missense variant.
Genome position (GRCh38, 1-based): chr18:3,193,842, T>C on the plus strand (A>G on the coding strand, the complement: MYOM1 is on the minus strand). VCF-style: chr18-3193842-T-C. GRCh37 (hg19) VCF-style: chr18-3193840-T-C.
Other names: c.407A>G, p.Tyr136Cys (NM_019856.2); short protein forms Y136C.
Identifiers: ClinVar variation 3714059 (VCV003714059.2).

ClinVar aggregate classification (germline): Uncertain significance (1 of 4 stars; one submission).

Conditions:
Hypertrophic cardiomyopathy. Also called: HYPERTROPHIC MYOCARDIOPATHY. Identifiers: Orphanet 217569, MedGen C0007194, MeSH D002312, MONDO:0005045, HP:0001639.

Submission:

Labcorp Genetics (formerly Invitae), Labcorp
Classification: Uncertain significance for Hypertrophic cardiomyopathy. Last evaluated: 2025-03-09. Review status: criteria provided, single submitter. Criteria: Invitae Variant Classification Sherloc (09022015). Collection method: clinical testing. Allele origin: germline.
Comment: This sequence change replaces tyrosine, which is neutral and polar, with cysteine, which is neutral and slightly polar, at codon 136 of the MYOM1 protein (p.Tyr136Cys). This variant is present in population databases (no rsID available, gnomAD 0.0009%). This variant has not been reported in the literature in individuals affected with MYOM1-related conditions. An algorithm developed to predict the effect of missense changes on protein structure and function (PolyPhen-2) suggests that this variant is likely to be tolerated. In summary, the available evidence is currently insufficient to determine the role of this variant in disease. Therefore, it has been classified as a Variant of Uncertain Significance.